The following is an entry in ClinVar:

ClinVar aggregate classification (germline): Pathogenic. Review status: reviewed by expert panel (3 of 4 stars). 9 submissions from 9 submitters: Pathogenic (1). 8 of the submissions do not count toward it. Last evaluated 2016-09-08.

Conditions:
BRCA1-related disorder. Also called: BRCA1-related condition.
Hereditary cancer-predisposing syndrome. Also called: Neoplastic Syndromes, Hereditary; Hereditary neoplastic syndrome; Hereditary Cancer Syndrome; Tumor predisposition. Identifiers: Orphanet 140162, MedGen C0027672, MeSH D009386, MONDO:0015356.
Hereditary breast ovarian cancer syndrome. Also called: BRCA1- and BRCA2-Associated Hereditary Breast and Ovarian Cancer; Hereditary breast and ovarian cancer syndrome (HBOC); Hereditary breast and ovarian cancer syndrome; Hereditary breast and/or ovarian cancer syndrome; Breast and ovarian cancer; Hereditary breast and ovarian cancer. Identifiers: Orphanet 145, MedGen C0677776, MeSH D061325, MONDO:0003582. Disease mechanism: loss of function.
Breast-ovarian cancer, familial, susceptibility to, 1 (BROVCA1). Also called: BRCA1 Hereditary Breast and Ovarian Cancer; OVARIAN CANCER, SUSCEPTIBILITY TO. Identifiers: Orphanet 145, MedGen C2676676, MONDO:0011450, OMIM 604370. Disease mechanism: loss of function.

Allele frequency attached by ClinVar (database versions not stated): gnomAD exomes below 0.00001.

Submissions (9):

Evidence-based Network for the Interpretation of Germline Mutant Alleles (ENIGMA)
Classification: Pathogenic for Breast-ovarian cancer, familial, susceptibility to, 1. Last evaluated: 2016-09-08. Review status: reviewed by expert panel. Criteria: ENIGMA BRCA1/2 Classification Criteria (2015). Collection method: curation. Allele origin: germline.
Comment: Variant allele predicted to encode a truncated non-functional protein.

Ambry Genetics
Classification: Pathogenic for Hereditary cancer-predisposing syndrome. Last evaluated: 2026-06-16. Review status: criteria provided, single submitter. Criteria: Ambry Variant Classification Scheme 2023. Collection method: clinical testing. Allele origin: germline. Not counted in ClinVar's aggregate classification.
Comment: The c.2560_2561dupGC (p.Q855Lfs*39) alteration, located in exon 10 (coding exon 9) of the BRCA1 gene, consists of a duplication of GC at position 2560, causing a translational frameshift with a predicted alternate stop codon after 39 amino acids. This variant is expected to result in loss of function by premature protein truncation or nonsense-mediated mRNA decay. This variant was not reported in population-based cohorts in the Genome Aggregation Database (gnomAD). This variant has been reported in the literature in multiple individuals with personal and/or family history consistent with hereditary breast and ovarian cancer syndrome (Robertson, 2012; Risch, 2006; Wilson, 2015; Zhang, 2011). Of note, this alteration is also designated as 2679_2680dupGC, 2680insGC, 2681insGC and 2561dupGC in published literature. Based on the available evidence, this alteration is classified as pathogenic.

Molecular Pathology, Peter Maccallum Cancer Centre
Classification: Pathogenic for Breast-ovarian cancer, familial, susceptibility to, 1. Last evaluated: 2025-05-09. Review status: criteria provided, single submitter. Criteria: ACMG Guidelines, 2015. Collection method: clinical testing. Allele origin: germline. Inheritance: Autosomal dominant inheritance. Not counted in ClinVar's aggregate classification.

Labcorp Genetics (formerly Invitae), Labcorp
Classification: Pathogenic for Hereditary breast ovarian cancer syndrome. Last evaluated: 2024-08-05. Review status: criteria provided, single submitter. Criteria: Invitae Variant Classification Sherloc (09022015). Collection method: clinical testing. Allele origin: germline. Not counted in ClinVar's aggregate classification.
Comment: This sequence change creates a premature translational stop signal (p.Gln855Leufs*39) in the BRCA1 gene. It is expected to result in an absent or disrupted protein product. Loss-of-function variants in BRCA1 are known to be pathogenic (PMID: 20104584). This variant is not present in population databases (gnomAD no frequency). This premature translational stop signal has been observed in individual(s) with breast cancer and/or ovarian cancer (PMID: 17148771, 22333603). This variant is also known as 2681insGC or c.2561dupGC. ClinVar contains an entry for this variant (Variation ID: 54600). For these reasons, this variant has been classified as Pathogenic.

Blueprint Genetics
Classification: Pathogenic for BRCA1-related disorders. Last evaluated: 2023-12-05. Review status: criteria provided, single submitter. Criteria: ACMG Guidelines, 2015. Collection method: clinical testing. Allele origin: germline. Affected: yes. Observed: 3 variant alleles. Not counted in ClinVar's aggregate classification.

Color Diagnostics, LLC DBA Color Health
Classification: Pathogenic for Hereditary cancer-predisposing syndrome. Last evaluated: 2021-09-29. Review status: criteria provided, single submitter. Criteria: ACMG Guidelines, 2015. Collection method: clinical testing. Allele origin: germline. Not counted in ClinVar's aggregate classification.
Comment: This variant inserts 2 nucleotides in exon 10 of the BRCA1 gene, creating a frameshift and premature translation stop signal. This variant is expected to result in an absent or non-functional protein product. To our knowledge, functional studies have not been reported for this variant. This variant has been reported in at least three individuals affected with breast cancer, ovarian cancer or breast and uterine cancer (PMID: 21324516, 22333603, 26404129, 33471991; Leiden Open Variation Database DB-ID BRCA1_003934). This variant has not been identified in the general population by the Genome Aggregation Database (gnomAD). Loss of BRCA1 function is a known mechanism of disease. Based on the available evidence, this variant is classified as Pathogenic.

Consortium of Investigators of Modifiers of BRCA1/2 (CIMBA), c/o University of Cambridge
Classification: Pathogenic for Breast-ovarian cancer, familial, susceptibility to, 1. Last evaluated: 2015-10-02. Review status: criteria provided, single submitter. Criteria: CIMBA Mutation Classification guidelines May 2016. Collection method: clinical testing. Allele origin: germline. Not counted in ClinVar's aggregate classification.

Research Molecular Genetics Laboratory, Women's College Hospital, University of Toronto
Classification: Pathogenic for Hereditary breast ovarian cancer syndrome. Last evaluated: 2014-01-31. Review status: no assertion criteria provided. Collection method: research. Allele origin: germline. Affected: yes. Study: The Canadian Open Genetics Repository (COGR). Not counted in ClinVar's aggregate classification.

Breast Cancer Information Core (BIC) (BRCA1)
Classification: Pathogenic for Breast-ovarian cancer, familial 1. Last evaluated: 2002-05-29. Review status: no assertion criteria provided. Collection method: clinical testing. Allele origin: germline. Affected: yes. Observed: 6 variant alleles. Not counted in ClinVar's aggregate classification.

Literature cited by the submitters: PubMed 17148771 (cited by Ambry Genetics and Labcorp Genetics (formerly Invitae), Labcorp); PubMed 21324516 (cited by Ambry Genetics and Color Diagnostics, LLC DBA Color Health); PubMed 22333603 (cited by 3 submitters); PubMed 26404129 (cited by Ambry Genetics and Color Diagnostics, LLC DBA Color Health); PubMed 20104584 (cited by Labcorp Genetics (formerly Invitae), Labcorp); PubMed 33471991 (cited by Color Diagnostics, LLC DBA Color Health).

NM_007294.4(BRCA1):c.2560_2561dup (p.Gln855fs)

Gene: BRCA1 (BRCA1 DNA repair associated; minus strand). Cytogenetic location: 17q21.31.
Variant type: Duplication.
Coding change: c.2560_2561dup on transcript NM_007294.4 (MANE Select); coding-DNA positions 2560 to 2561, 2 bases duplicated (GC; older notation c.2560_2561dupGC).
Protein change: p.Gln855fs; shifts the reading frame from glutamine 855.
Molecular consequence: frameshift variant. On other transcripts: intron variant (137).
Genome position (GRCh38, 1-based): chr17:43,092,970-43,092,971, GC duplicated on the plus strand (GC on the coding strand, the reverse complement: BRCA1 is on the minus strand). VCF-style (leftmost placement, unchanged base first): chr17-43092969-A-AGC. GRCh37 (hg19) VCF-style: chr17-41244986-A-AGC.
Other names: 2680insGC; c.2560_2561dupGC (NM_007294.3); c.2416_2417dup, p.Gln807fs (NM_001407848.1, NM_001407849.1, NM_001407943.1 and 20 more transcripts); c.2419_2420dup, p.Gln808fs (NM_001407850.1, NM_001407851.1, NM_001407852.1 and 29 more transcripts); c.2347_2348dup, p.Gln784fs (NM_001407853.1, NM_001407894.1, NM_001407895.1 and 9 more transcripts); c.2560_2561dup, p.Gln855fs (NM_001407854.1, NM_001407858.1, NM_001407859.1 and 30 more transcripts); c.2557_2558dup, p.Gln854fs (NM_001407860.1, NM_001407861.1, NM_001407587.1 and 22 more transcripts); c.2359_2360dup, p.Gln788fs (NM_001407862.1); and 43 more; short protein forms Q855fs, Q808fs, Q559fs, Q744fs, Q767fs, Q785fs, Q788fs, Q828fs.
Identifiers: ClinVar variation 54600 (VCV000054600.18), dbSNP rs80357968, ClinGen allele CA001686.
Genomic context (GRCh38, chr17:43,092,969, plus strand): 5'-ATTTGAAAACGGAGCAAATGACTGGCGCTTTGAAACCTTGAATGTATTCTGCAAATACTG[A>AGC]GCATCAAGTTCACTTTCTTCCATTTCTATGCTTGTTTCCCGACTGTGGTTAACTTCATGT-3'